The following is an entry in ClinVar:

ClinVar aggregate classification (germline): Uncertain significance (1 of 4 stars; one submission).

Conditions:
Neuroblastoma, susceptibility to, 3. Also called: ALK-Related Neuroblastic Tumor Susceptibility. Identifiers: Orphanet 635, MedGen C2751681, MONDO:0013083, OMIM 613014.

Submission:

Labcorp Genetics (formerly Invitae), Labcorp
Classification: Uncertain significance for Neuroblastoma, susceptibility to, 3. Last evaluated: 2022-10-19. Review status: criteria provided, single submitter. Criteria: Invitae Variant Classification Sherloc (09022015). Collection method: clinical testing. Allele origin: germline.
Comment: This sequence change replaces alanine, which is neutral and non-polar, with aspartic acid, which is acidic and polar, at codon 892 of the ALK protein (p.Ala892Asp). This variant is not present in population databases (gnomAD no frequency). This variant has not been reported in the literature in individuals affected with ALK-related conditions. Algorithms developed to predict the effect of missense changes on protein structure and function are either unavailable or do not agree on the potential impact of this missense change (SIFT: "Deleterious"; PolyPhen-2: "Benign"; Align-GVGD: "Class C0"). In summary, the available evidence is currently insufficient to determine the role of this variant in disease. Therefore, it has been classified as a Variant of Uncertain Significance.

NM_004304.5(ALK):c.2675C>A (p.Ala892Asp)

Gene: ALK (ALK receptor tyrosine kinase; minus strand). Cytogenetic location: 2p23.2.
Variant type: single nucleotide variant.
Coding change: c.2675C>A on transcript NM_004304.5 (MANE Select); coding-DNA position 2675, C replaced by A.
Protein change: p.Ala892Asp; replaces alanine 892 with aspartic acid.
Molecular consequence: missense variant.
Genome position (GRCh38, 1-based): chr2:29,229,024, G>T on the plus strand (C>A on the coding strand, the complement: ALK is on the minus strand). VCF-style: chr2-29229024-G-T. GRCh37 (hg19) VCF-style: chr2-29451890-G-T.
Other names: short protein forms A892D.
Identifiers: ClinVar variation 1953105 (VCV001953105.5), dbSNP rs2465978340, ClinGen allele CA346469971.